The following is an entry in ClinVar:

NM_000104.4(CYP1B1):c.16A>G (p.Ser6Gly)

Gene: CYP1B1 (cytochrome P450 family 1 subfamily B member 1; minus strand). Cytogenetic location: 2p22.2.
Variant type: single nucleotide variant.
Coding change: c.16A>G on transcript NM_000104.4 (MANE Select); coding-DNA position 16, A replaced by G.
Protein change: p.Ser6Gly; replaces serine 6 with glycine.
Molecular consequence: missense variant.
Genome position (GRCh38, 1-based): chr2:38,075,373, T>C on the plus strand (A>G on the coding strand, the complement: CYP1B1 is on the minus strand). VCF-style: chr2-38075373-T-C. GRCh37 (hg19) VCF-style: chr2-38302516-T-C.
Other names: short protein forms S6G.
Identifiers: ClinVar variation 402579 (VCV000402579.4), dbSNP rs369115487, ClinGen allele CA1620131.

ClinVar aggregate classification (germline): Uncertain significance (1 of 4 stars; one submission).

Allele frequency attached by ClinVar (database versions not stated): TOPMed 0.00002 and 0.00001; gnomAD 0.00001; ExAC 0.00002; ESP Exome Variant Server 0.00008; gnomAD exomes 0.00002.

Submission:

Laboratory for Molecular Medicine, Mass General Brigham Personalized Medicine
Classification: Uncertain significance. Last evaluated: 2016-03-28. Review status: criteria provided, single submitter. Criteria: LMM Criteria. Collection method: clinical testing. Allele origin: germline.
Comment: Variant identified in a genome or exome case(s) and assessed due to predicted null impact of the variant or pathogenic assertions in the literature or databases. Disclaimer: This variant has not undergone full assessment. The following are preliminary notes: Not reported.